The following is an entry in ClinVar:

ClinVar aggregate classification (germline): Pathogenic/Likely pathogenic. Review status: criteria provided, multiple submitters, no conflicts (2 of 4 stars). 2 submissions from 2 submitters: Pathogenic (1); Likely pathogenic (1). Last evaluated 2024-09-19.

Conditions:
Retinitis pigmentosa 25 (RP25). Identifiers: Orphanet 791, MedGen C1864446, MONDO:0011272, OMIM 602772.

Submissions (2):

Natera, Inc.
Classification: Likely pathogenic for Retinitis pigmentosa type 25. Last evaluated: 2024-09-19. Review status: criteria provided, single submitter. Criteria: Natera Variant Classification Schema (03/2026). Collection method: clinical testing. Allele origin: germline.
Comment: The c.2657del variant in EYS is a frameshift variant predicted to shift the reading frame beginning at codon 886 and leads to a stop codon 6 codons downstream. This variant is expected to result in nonsense mediated decay, truncation, or a dysfunctional protein product. This variant is rare in the general population with a frequency below the threshold expected for the associated phenotype(s). Given the available evidence, this variant is classified as Likely Pathogenic.

Labcorp Genetics (formerly Invitae), Labcorp
Classification: Pathogenic. Last evaluated: 2023-03-10. Review status: criteria provided, single submitter. Criteria: Invitae Variant Classification Sherloc (09022015). Collection method: clinical testing. Allele origin: germline.
Comment: For these reasons, this variant has been classified as Pathogenic. This variant has not been reported in the literature in individuals affected with EYS-related conditions. This variant is not present in population databases (gnomAD no frequency). This sequence change creates a premature translational stop signal (p.Asn886Thrfs*6) in the EYS gene. It is expected to result in an absent or disrupted protein product. Loss-of-function variants in EYS are known to be pathogenic (PMID: 18836446, 20333770).

Literature cited by the submitters: PubMed 18836446 (cited by Labcorp Genetics (formerly Invitae), Labcorp); PubMed 20333770 (cited by Labcorp Genetics (formerly Invitae), Labcorp).

NM_001142800.2(EYS):c.2657del (p.Asn886fs)

Gene: EYS (EGF-like photoreceptor maintenance factor; minus strand). Cytogenetic location: 6q12.
Variant type: Deletion.
Coding change: c.2657del on transcript NM_001142800.2 (MANE Select); coding-DNA position 2657, one base deleted (A; older notation c.2657delA).
Protein change: p.Asn886fs; shifts the reading frame from asparagine 886.
Molecular consequence: frameshift variant.
Genome position (GRCh38, 1-based): chr6:64,902,485, T deleted on the plus strand (A on the coding strand, the reverse complement: EYS is on the minus strand); the first of 5 consecutive T bases (chr6:64,902,485-64,902,489); deleting any one gives the same sequence. VCF-style (leftmost placement, unchanged base first): chr6-64902484-GT-G. GRCh37 (hg19) VCF-style: chr6-65612377-GT-G.
Other names: c.2657del (NM_001142800.1); c.2657del, p.Asn886fs (NM_001292009.2); short protein forms N886fs.
Identifiers: ClinVar variation 2843291 (VCV002843291.4), dbSNP rs2533360206, ClinGen allele CA2679287292.